The following is an entry in ClinVar:

ClinVar aggregate classification (germline): Uncertain significance (1 of 4 stars; one submission).

Conditions:
Joubert syndrome. Also called: CEREBELLOPARENCHYMAL DISORDER IV; JOUBERT-BOLTSHAUSER SYNDROME; Familial aplasia of the vermis. Identifiers: Orphanet 475, MedGen C5979921, MONDO:0018772.
Meckel-Gruber syndrome. Also called: DYSENCEPHALIA SPLANCHNOCYSTICA; GRUBER SYNDROME; Dysencephalia splachnocystica. Identifiers: Orphanet 564, MedGen C0265215, MONDO:0018921.

Allele frequency attached by ClinVar (database versions not stated): gnomAD exomes below 0.00001.
gnomAD v4.1: 1 of 1,614,084 alleles (0.000062%); highest among the groups gnomAD compares: Non-Finnish European, 0.000085%; no homozygotes.

Submission:

Labcorp Genetics (formerly Invitae), Labcorp
Classification: Uncertain significance for Joubert syndrome; Meckel-Gruber syndrome. Last evaluated: 2022-04-18. Review status: criteria provided, single submitter. Criteria: Invitae Variant Classification Sherloc (09022015). Collection method: clinical testing. Allele origin: germline.
Comment: In summary, the available evidence is currently insufficient to determine the role of this variant in disease. Therefore, it has been classified as a Variant of Uncertain Significance. Algorithms developed to predict the effect of missense changes on protein structure and function (SIFT, PolyPhen-2, Align-GVGD) all suggest that this variant is likely to be disruptive. This variant has not been reported in the literature in individuals affected with TCTN2-related conditions. This variant is not present in population databases (gnomAD no frequency). This sequence change replaces asparagine, which is neutral and polar, with histidine, which is basic and polar, at codon 483 of the TCTN2 protein (p.Asn483His).

NM_024809.5(TCTN2):c.1447A>C (p.Asn483His)

Gene: TCTN2 (tectonic family member 2; plus strand). Cytogenetic location: 12q24.31.
Variant type: single nucleotide variant.
Coding change: c.1447A>C on transcript NM_024809.5 (MANE Select); coding-DNA position 1447, A replaced by C.
Protein change: p.Asn483His; replaces asparagine 483 with histidine.
Molecular consequence: missense variant.
Genome position (GRCh38, 1-based): chr12:123,697,140, A>C. VCF-style: chr12-123697140-A-C. GRCh37 (hg19) VCF-style: chr12-124181687-A-C.
Other names: c.1444A>C, p.Asn482His (NM_001143850.3); c.1312A>C, p.Asn438His (NM_001410989.1); short protein forms N438H, N482H, N483H.
Identifiers: ClinVar variation 2127794 (VCV002127794.4), dbSNP rs2541793620, ClinGen allele CA387144927.